The following is an entry in ClinVar:

ClinVar aggregate classification (germline): Uncertain significance (1 of 4 stars; one submission).

Submission:

Labcorp Genetics (formerly Invitae), Labcorp
Classification: Uncertain significance. Last evaluated: 2022-08-03. Review status: criteria provided, single submitter. Criteria: Invitae Variant Classification Sherloc (09022015). Collection method: clinical testing. Allele origin: germline.
Comment: In summary, the available evidence is currently insufficient to determine the role of this variant in disease. Therefore, it has been classified as a Variant of Uncertain Significance. This variant has not been reported in the literature in individuals affected with EGF-related conditions. A copy number gain of the genomic region encompassing the full coding sequence of the EGF gene has been identified. The boundaries of this event are unknown as they extend beyond the assayed region for this gene and therefore may encompass additional genes. As the precise location of this event is unknown, it may be in tandem or it may be located elsewhere in the genome.

NC_000004.11:g.(?_110834110)_(110932611_?)dup

Gene: EGF (epidermal growth factor; plus strand). Cytogenetic location: 4q25.
Variant type: Duplication.
Identifiers: ClinVar variation 2424334 (VCV002424334.3).